The following is an entry in ClinVar:

NM_032656.4(DHX37):c.2668C>T (p.Arg890Cys)

Gene: DHX37 (DEAH-box helicase 37; minus strand). Cytogenetic location: 12q24.31.
Variant type: single nucleotide variant.
Coding change: c.2668C>T on transcript NM_032656.4 (MANE Select); coding-DNA position 2668, C replaced by T.
Protein change: p.Arg890Cys; replaces arginine 890 with cysteine.
Molecular consequence: missense variant.
Genome position (GRCh38, 1-based): chr12:124,953,907, G>A on the plus strand (C>T on the coding strand, the complement: DHX37 is on the minus strand). VCF-style: chr12-124953907-G-A. GRCh37 (hg19) VCF-style: chr12-125438453-G-A.
Other names: c.2668C>T (NM_032656.3); short protein forms R890C.
Identifiers: ClinVar variation 1982767 (VCV001982767.5), dbSNP rs748749550, ClinGen allele CA6871551.

ClinVar aggregate classification (germline): Uncertain significance. Review status: criteria provided, multiple submitters, no conflicts (2 of 4 stars). 2 submissions from 2 submitters: Uncertain significance (2). Last evaluated 2025-10-02.

Conditions:
Inborn genetic diseases. Identifiers: MedGen C0950123, MeSH D030342.

Allele frequency attached by ClinVar (database versions not stated): gnomAD exomes 0.00007; ExAC 0.00002; gnomAD 0.00002; TOPMed 0.00004.

Submissions (2):

Labcorp Genetics (formerly Invitae), Labcorp
Classification: Uncertain significance. Last evaluated: 2025-10-02. Review status: criteria provided, single submitter. Criteria: Invitae Variant Classification Sherloc (09022015). Collection method: clinical testing. Allele origin: germline.
Comment: This sequence change replaces arginine, which is basic and polar, with cysteine, which is neutral and slightly polar, at codon 890 of the DHX37 protein (p.Arg890Cys). This variant is present in population databases (rs748749550, gnomAD 0.005%). This variant has not been reported in the literature in individuals affected with DHX37-related conditions. ClinVar contains an entry for this variant (Variation ID: 1982767). Invitae Evidence Modeling of protein sequence and biophysical properties (such as structural, functional, and spatial information, amino acid conservation, physicochemical variation, residue mobility, and thermodynamic stability) indicates that this missense variant is expected to disrupt DHX37 protein function with a positive predictive value of 80%. In summary, the available evidence is currently insufficient to determine the role of this variant in disease. Therefore, it has been classified as a Variant of Uncertain Significance.

Ambry Genetics
Classification: Uncertain significance for Inborn genetic diseases. Last evaluated: 2023-11-09. Review status: criteria provided, single submitter. Criteria: Ambry Variant Classification Scheme 2023. Collection method: clinical testing. Allele origin: germline.